The following is an entry in ClinVar:

ClinVar aggregate classification (germline): Uncertain significance. Review status: criteria provided, multiple submitters, no conflicts (2 of 4 stars). 2 submissions from 2 submitters: Uncertain significance (2). Last evaluated 2024-10-23.

Conditions:
Hereditary cancer-predisposing syndrome. Also called: Hereditary neoplastic syndrome; Tumor predisposition; Neoplastic Syndromes, Hereditary; Hereditary Cancer Syndrome. Identifiers: Orphanet 140162, MedGen C0027672, MeSH D009386, MONDO:0015356.

Submissions (2):

Ambry Genetics
Classification: Uncertain significance for Hereditary cancer-predisposing syndrome. Last evaluated: 2024-10-23. Review status: criteria provided, single submitter. Criteria: Ambry Variant Classification Scheme 2023. Collection method: clinical testing. Allele origin: germline.
Comment: The p.F125C variant (also known as c.374T>G), located in coding exon 2 of the CHEK2 gene, results from a T to G substitution at nucleotide position 374. The phenylalanine at codon 125 is replaced by cysteine, an amino acid with highly dissimilar properties. This amino acid position is well conserved in available vertebrate species. In addition, this alteration is predicted to be deleterious by in silico analysis. Since supporting evidence is limited at this time, the clinical significance of this alteration remains unclear.

GeneDx
Classification: Uncertain significance. Last evaluated: 2023-04-27. Review status: criteria provided, single submitter. Criteria: GeneDx Variant Classification Process June 2021. Collection method: clinical testing. Allele origin: germline. Affected: yes.
Comment: Not observed at significant frequency in large population cohorts (gnomAD); In silico analysis supports that this missense variant has a deleterious effect on protein structure/function; Observed in individual(s) with colorectal cancer in published literature (Staninova-Stojovska et al., 2019); This variant is associated with the following publications: (PMID: 22419737, 19782031, 31942411)

Literature cited by the submitters: PubMed 31942411 (cited by Ambry Genetics).

NM_007194.4(CHEK2):c.374T>G (p.Phe125Cys)

Gene: CHEK2 (checkpoint kinase 2; minus strand). Cytogenetic location: 22q12.1.
Variant type: single nucleotide variant.
Coding change: c.374T>G on transcript NM_007194.4 (MANE Select); coding-DNA position 374, T replaced by G.
Protein change: p.Phe125Cys; replaces phenylalanine 125 with cysteine.
Molecular consequence: missense variant.
Genome position (GRCh38, 1-based): chr22:28,725,313, A>C on the plus strand (T>G on the coding strand, the complement: CHEK2 is on the minus strand). VCF-style: chr22-28725313-A-C. GRCh37 (hg19) VCF-style: chr22-29121301-A-C.
Other names: c.503T>G, p.Phe168Cys (NM_001005735.3); c.-404T>G (NM_001257387.3); c.374T>G, p.Phe125Cys (NM_001349956.3, NM_145862.3); short protein forms F125C, F168C.
Identifiers: ClinVar variation 420745 (VCV000420745.6), dbSNP rs1064794677, ClinGen allele CA16621082.